The following is an entry in ClinVar:

NM_016599.5(MYOZ2):c.377-222A>T

Gene: MYOZ2 (myozenin 2; plus strand). Cytogenetic location: 4q26.
Variant type: single nucleotide variant.
Coding change: c.377-222A>T on transcript NM_016599.5 (MANE Select); 222 bases into the intron before coding-DNA position 377, A replaced by T.
Molecular consequence: intron variant.
Genome position (GRCh38, 1-based): chr4:119,163,989, A>T. VCF-style: chr4-119163989-A-T. GRCh37 (hg19) VCF-style: chr4-120085144-A-T.
Identifiers: ClinVar variation 679098 (VCV000679098.1), dbSNP rs76469576, ClinGen allele CA104971808.
Genomic context (GRCh38, chr4:119,163,989, plus strand): 5'-GTTTTACTGGAAAAATATATATACTAAGACAGTCAAGAAAAAACTGTATAATTTGGAAAA[A>T]TTAAACATTAAGAAAAATGGTTTCTTTTTAAAGTTCCATAAGCTTACAGGAGCTCTAAAA-3'

ClinVar aggregate classification (germline): Benign (1 of 4 stars; one submission).

Allele frequency attached by ClinVar (database versions not stated): gnomAD 0.02962 and 0.03172; TOPMed 0.03354; 1000 Genomes Project 0.03514; 1000 Genomes Project 30x 0.03935.
gnomAD v4.1: 4,461 of 152,266 alleles (2.9%); highest among the groups gnomAD compares: African/African-American, 10%; 234 homozygotes.

Submission:

GeneDx
Classification: Benign. Last evaluated: 2018-06-14. Review status: criteria provided, single submitter. Criteria: GeneDx Variant Classification (06012015). Collection method: clinical testing. Allele origin: germline. Affected: yes.
Comment: This variant is considered likely benign or benign based on one or more of the following criteria: it is a conservative change, it occurs at a poorly conserved position in the protein, it is predicted to be benign by multiple in silico algorithms, and/or has population frequency not consistent with disease.